The following is an entry in ClinVar:

ClinVar aggregate classification (germline): Uncertain significance (1 of 4 stars; one submission).

Allele frequency attached by ClinVar (database versions not stated): TOPMed 0.00001.

Submission:

Laboratory for Molecular Medicine, Mass General Brigham Personalized Medicine
Classification: Uncertain significance. Last evaluated: 2015-03-19. Review status: criteria provided, single submitter. Criteria: LMM Criteria. Collection method: clinical testing. Allele origin: germline. Observed: 2 variant alleles.
Comment: The p.Leu112Trp variant in MYOM1 has not been previously reported in individuals with cardiomyopathy or in large population studies. Computational prediction to ols and conservation analysis do not provide strong support for or against an im pact to the protein. In summary, the clinical significance of the p.Leu112Trp va riant is uncertain.

NM_003803.4(MYOM1):c.335T>G (p.Leu112Trp)

Gene: MYOM1 (myomesin 1; minus strand). Cytogenetic location: 18p11.31.
Variant type: single nucleotide variant.
Coding change: c.335T>G on transcript NM_003803.4 (MANE Select); coding-DNA position 335, T replaced by G.
Protein change: p.Leu112Trp; replaces leucine 112 with tryptophan.
Molecular consequence: missense variant.
Genome position (GRCh38, 1-based): chr18:3,193,914, A>C on the plus strand (T>G on the coding strand, the complement: MYOM1 is on the minus strand). VCF-style: chr18-3193914-A-C. GRCh37 (hg19) VCF-style: chr18-3193912-A-C.
Other names: c.335T>G, p.Leu112Trp (NM_019856.2); short protein forms L112W.
Identifiers: ClinVar variation 229022 (VCV000229022.5), dbSNP rs868781965, ClinGen allele CA10577057.